The following is an entry in ClinVar:

NM_000238.4(KCNH2):c.2770_2778dup (p.Pro926_Trp927insGlyGlyPro)

Gene: KCNH2 (potassium voltage-gated channel subfamily H member 2; minus strand). Cytogenetic location: 7q36.1.
Variant type: Duplication.
Coding change: c.2770_2778dup on transcript NM_000238.4 (MANE Select); coding-DNA positions 2770 to 2778, 9 bases duplicated (GGGGGGCCG; older notation c.2770_2778dupGGGGGGCCG).
Protein change: p.Pro926_Trp927insGlyGlyPro.
Molecular consequence: inframe insertion.
Genome position (GRCh38, 1-based): chr7:150,947,793-150,947,801, CGGCCCCCC duplicated on the plus strand (GGGGGGCCG on the coding strand, the reverse complement: KCNH2 is on the minus strand); duplicating any 9 consecutive bases within chr7:150,947,793-150,947,806 gives the same sequence; the c. name uses the placement nearest the transcript's 3' end. VCF-style (leftmost placement, unchanged base first): chr7-150947792-A-ACGGCCCCCC. GRCh37 (hg19) VCF-style: chr7-150644880-A-ACGGCCCCCC.
Other names: c.2482_2490dup, p.Pro830_Trp831insGlyGlyPro (NM_001406753.1); c.1750_1758dup, p.Pro586_Trp587insGlyGlyPro (NM_172057.3); c.2770_2778dup (NM_000238.2).
Identifiers: ClinVar variation 2729559 (VCV002729559.6), dbSNP rs1298784736, ClinGen allele CA579075208.

ClinVar aggregate classification (germline): Uncertain significance. Review status: criteria provided, multiple submitters, no conflicts (2 of 4 stars). 4 submissions from 4 submitters: Uncertain significance (4). Last evaluated 2026-01-24.

Conditions:
Long QT syndrome (LQTS). Identifiers: MedGen C0023976, MeSH D008133, MONDO:0002442. Disease mechanism: loss of function. Inheritance: Various modes of inheritance.
Cardiac arrhythmia. Also called: Arrhythmia; Cardiac rhythm disease. Identifiers: MedGen C0003811, MONDO:0007263, HP:0011675.

Submissions (4):

GeneDx
Classification: Uncertain significance. Last evaluated: 2026-01-24. Review status: criteria provided, single submitter. Criteria: GeneDx Variant Classification Process June 2021. Collection method: clinical testing. Allele origin: germline.
Comment: In-frame duplication of 3 amino acid(s) in a non-repeat region; Has not been previously published as pathogenic or benign to our knowledge

Color Diagnostics, LLC DBA Color Health
Classification: Uncertain significance for Cardiac arrhythmia. Last evaluated: 2025-08-04. Review status: criteria provided, single submitter. Criteria: ACMG Guidelines, 2015. Collection method: clinical testing. Allele origin: germline.
Comment: This variant results in the tandem duplication of 3 amino acids in the KCNH2 protein (p.Gly924_Pro926dup). To our knowledge, functional studies have not been reported for this variant. This variant has not been reported in individuals affected with KCNH2-related disorders in the literature. This variant has been identified in 4/162350 chromosomes in the general population by the Genome Aggregation Database (gnomAD). The available evidence is insufficient to determine the role of this variant in disease conclusively. Therefore, this variant is classified as a Variant of Uncertain Significance.

All of Us Research Program, National Institutes of Health
Classification: Uncertain significance for Long QT syndrome. Last evaluated: 2024-08-06. Review status: criteria provided, single submitter. Criteria: ACMG Guidelines, 2015. Collection method: clinical testing. Allele origin: germline. Inheritance: Autosomal dominant inheritance. Observed: 1 variant allele, 1 heterozygote.
Comment: This study involves interpretation of variants in research participants for the purpose of population health screening. Participant phenotype was not available at the time of variant classification. Additional details can be found in publication PMID: 35346344, PMCID: PMC8962531

Labcorp Genetics (formerly Invitae), Labcorp
Classification: Uncertain significance for Long QT syndrome. Last evaluated: 2023-09-26. Review status: criteria provided, single submitter. Criteria: Invitae Variant Classification Sherloc (09022015). Collection method: clinical testing. Allele origin: germline.
Comment: This variant, c.2770_2778dup, results in the insertion of 3 amino acid(s) of the KCNH2 protein (p.Gly924_Pro926dup), but otherwise preserves the integrity of the reading frame. The frequency data for this variant in the population databases is considered unreliable, as metrics indicate poor data quality at this position in the gnomAD database. This variant has not been reported in the literature in individuals affected with KCNH2-related conditions. Experimental studies and prediction algorithms are not available or were not evaluated, and the functional significance of this variant is currently unknown. In summary, the available evidence is currently insufficient to determine the role of this variant in disease. Therefore, it has been classified as a Variant of Uncertain Significance.